The following is an entry in ClinVar:

NM_000135.4(FANCA):c.1789C>T (p.Pro597Ser)

Gene: FANCA (FA complementation group A; minus strand). Cytogenetic location: 16q24.3.
Variant type: single nucleotide variant.
Coding change: c.1789C>T on transcript NM_000135.4 (MANE Select); coding-DNA position 1789, C replaced by T.
Protein change: p.Pro597Ser; replaces proline 597 with serine.
Molecular consequence: missense variant.
Genome position (GRCh38, 1-based): chr16:89,778,838, G>A on the plus strand (C>T on the coding strand, the complement: FANCA is on the minus strand). VCF-style: chr16-89778838-G-A. GRCh37 (hg19) VCF-style: chr16-89845246-G-A.
Other names: c.1789C>T, p.Pro597Ser (NM_001286167.3); short protein forms P597S.
Identifiers: ClinVar variation 2811198 (VCV002811198.4), dbSNP rs2544226467, ClinGen allele CA397454546.

ClinVar aggregate classification (germline): Uncertain significance. Review status: criteria provided, multiple submitters, no conflicts (2 of 4 stars). 2 submissions from 2 submitters: Uncertain significance (2). Last evaluated 2026-04-11.

Conditions:
Inborn genetic diseases. Identifiers: MedGen C0950123, MeSH D030342.
Fanconi anemia (FA). Also called: Fanconi's anemia. Identifiers: Orphanet 84, MedGen C0015625, MeSH D005199, MONDO:0019391.

gnomAD v4.1: 1 of 1,614,034 alleles (0.000062%); highest among the groups gnomAD compares: Non-Finnish European, 0.000085%; no homozygotes.

Submissions (2):

Ambry Genetics
Classification: Uncertain significance for Inborn genetic diseases. Last evaluated: 2026-04-11. Review status: criteria provided, single submitter. Criteria: Ambry Variant Classification Scheme 2023. Collection method: clinical testing. Allele origin: germline.
Comment: The p.P597S variant (also known as c.1789C>T), located in coding exon 20 of the FANCA gene, results from a C to T substitution at nucleotide position 1789. The proline at codon 597 is replaced by serine, an amino acid with similar properties. This amino acid position is conserved. In addition, the in silico prediction for this alteration is inconclusive. Based on the available evidence, the clinical significance of this variant remains unclear.

Labcorp Genetics (formerly Invitae), Labcorp
Classification: Uncertain significance for Fanconi anemia. Last evaluated: 2023-01-19. Review status: criteria provided, single submitter. Criteria: Invitae Variant Classification Sherloc (09022015). Collection method: clinical testing. Allele origin: germline.
Comment: In summary, the available evidence is currently insufficient to determine the role of this variant in disease. Therefore, it has been classified as a Variant of Uncertain Significance. Advanced modeling of protein sequence and biophysical properties (such as structural, functional, and spatial information, amino acid conservation, physicochemical variation, residue mobility, and thermodynamic stability) performed at Invitae indicates that this missense variant is expected to disrupt FANCA protein function. This variant has not been reported in the literature in individuals affected with FANCA-related conditions. This variant is not present in population databases (gnomAD no frequency). This sequence change replaces proline, which is neutral and non-polar, with serine, which is neutral and polar, at codon 597 of the FANCA protein (p.Pro597Ser).